The following is an entry in ClinVar:

ClinVar aggregate classification (germline): Uncertain significance (1 of 4 stars; one submission).

Submission:

Labcorp Genetics (formerly Invitae), Labcorp
Classification: Uncertain significance. Last evaluated: 2022-03-13. Review status: criteria provided, single submitter. Criteria: Invitae Variant Classification Sherloc (09022015). Collection method: clinical testing. Allele origin: germline.
Comment: Algorithms developed to predict the effect of missense changes on protein structure and function (SIFT, PolyPhen-2, Align-GVGD) all suggest that this variant is likely to be disruptive. This sequence change replaces isoleucine, which is neutral and non-polar, with valine, which is neutral and non-polar, at codon 58 of the PRUNE1 protein (p.Ile58Val). This variant is not present in population databases (gnomAD no frequency). This variant has not been reported in the literature in individuals affected with PRUNE1-related conditions. In summary, the available evidence is currently insufficient to determine the role of this variant in disease. Therefore, it has been classified as a Variant of Uncertain Significance.

NM_021222.3(PRUNE1):c.172A>G (p.Ile58Val)

Gene: PRUNE1 (prune exopolyphosphatase 1; plus strand). Cytogenetic location: 1q21.3.
Variant type: single nucleotide variant.
Coding change: c.172A>G on transcript NM_021222.3 (MANE Select); coding-DNA position 172, A replaced by G.
Protein change: p.Ile58Val; replaces isoleucine 58 with valine.
Molecular consequence: missense variant. On other transcripts: 5 prime UTR variant (1), intron variant (1).
Genome position (GRCh38, 1-based): chr1:151,018,506, A>G. VCF-style: chr1-151018506-A-G. GRCh37 (hg19) VCF-style: chr1-150990982-A-G.
Other names: c.172A>G, p.Ile58Val (NM_001303242.2); c.-88A>G (NM_001303243.2); c.-212+602A>G (NM_001303229.2); short protein forms I58V.
Identifiers: ClinVar variation 2064750 (VCV002064750.4), dbSNP rs2528344099, ClinGen allele CA341903279.